The following is an entry in ClinVar:

NM_181741.4(ORC4):c.588+5G>A

Gene: ORC4 (origin recognition complex subunit 4; minus strand). Cytogenetic location: 2q23.1.
Variant type: single nucleotide variant.
Coding change: c.588+5G>A on transcript NM_181741.4 (MANE Select); 5 bases into the intron after coding-DNA position 588, G replaced by A.
Molecular consequence: intron variant.
Genome position (GRCh38, 1-based): chr2:147,952,368, C>T on the plus strand (G>A on the coding strand, the complement: ORC4 is on the minus strand). VCF-style: chr2-147952368-C-T. GRCh37 (hg19) VCF-style: chr2-148709937-C-T.
Other names: c.588+5G>A (NM_181742.4, NM_001190879.3, NM_002552.5 and 1 more transcripts); c.336+5G>A (NM_001190881.3, NM_001374272.1); c.366+5G>A (NM_001190882.3).
Identifiers: ClinVar variation 1440893 (VCV001440893.7), dbSNP rs2105297960, ClinGen allele CA2573133196.

ClinVar aggregate classification (germline): Uncertain significance (1 of 4 stars; one submission).

Allele frequency attached by ClinVar (database versions not stated): gnomAD exomes below 0.00001.
gnomAD v4.1: 1 of 1,588,524 alleles (0.000063%); highest among the groups gnomAD compares: Non-Finnish European, 0.000086%; no homozygotes.

Submissions (2):

Labcorp Genetics (formerly Invitae), Labcorp
Classification: Uncertain significance. Last evaluated: 2022-12-02. Review status: criteria provided, single submitter. Criteria: Invitae Variant Classification Sherloc (09022015). Collection method: clinical testing. Allele origin: germline.
Comment: ClinVar contains an entry for this variant (Variation ID: 1440893). This variant has not been reported in the literature in individuals affected with ORC4-related conditions. This variant is not present in population databases (gnomAD no frequency). This sequence change falls in intron 8 of the ORC4 gene. It does not directly change the encoded amino acid sequence of the ORC4 protein. It affects a nucleotide within the consensus splice site. Variants that disrupt the consensus splice site are a relatively common cause of aberrant splicing (PMID: 17576681, 9536098). Algorithms developed to predict the effect of sequence changes on RNA splicing suggest that this variant may disrupt the consensus splice site. In summary, the available evidence is currently insufficient to determine the role of this variant in disease. Therefore, it has been classified as a Variant of Uncertain Significance.

Dr. Peter K. Rogan Lab, Western University
No classification provided (evidence only). Condition: Hepatocellular carcinoma. Review status: no classification provided. Collection method: in vitro. Allele origin: not applicable. Functional consequence: skipped exon. Not counted in ClinVar's aggregate classification.

Literature cited by the submitters: PubMed 17576681 (cited by Labcorp Genetics (formerly Invitae), Labcorp); PubMed 9536098 (cited by Labcorp Genetics (formerly Invitae), Labcorp).